The following is an entry in ClinVar:

NM_000277.3(PAH):c.593_614del (p.Tyr198fs)

Gene: PAH (phenylalanine hydroxylase; minus strand). Cytogenetic location: 12q23.2.
Variant type: Deletion.
Coding change: c.593_614del on transcript NM_000277.3 (MANE Select); coding-DNA positions 593 to 614, 22 bases deleted (ATAAAACCCATGCTTGCTATGA).
Protein change: p.Tyr198fs; shifts the reading frame from tyrosine 198.
Molecular consequence: frameshift variant.
Genome position (GRCh38, 1-based): chr12:102,855,228-102,855,249, TCATAGCAAGCATGGGTTTTAT deleted on the plus strand (ATAAAACCCATGCTTGCTATGA on the coding strand, the reverse complement: PAH is on the minus strand). VCF-style (leftmost placement, unchanged base first): chr12-102855227-CTCATAGCAAGCATGGGTTTTAT-C. GRCh37 (hg19) VCF-style: chr12-103249005-CTCATAGCAAGCATGGGTTTTAT-C.
Other names: c.593_614del, p.Tyr198fs (NM_001354304.2); short protein forms Y198fs.
Identifiers: ClinVar variation 102747 (VCV000102747.2), dbSNP rs63749676, ClinGen allele CA229639.
Genomic context (GRCh38, chr12:102,855,227, plus strand): 5'-GGGAATGTTATCTTCATGGAAGCCACAGTACTTTTCAAGAAGTGGAAAAATGTGATTGTA[CTCATAGCAAGCATGGGTTTTAT>C]ACAAGGACTTCAGAGTCTTGAACACTGTGCCCCATGTTTTCTTTTCTTCCTCCATGTATT-3'

ClinVar aggregate classification (germline): Pathogenic. Review status: reviewed by expert panel (3 of 4 stars). 2 submissions from 2 submitters: Pathogenic (1). 1 of the submissions does not count toward it. Last evaluated 2020-07-24.

Conditions:
Phenylketonuria (PKU). Also called: Phenylketonuria (PKU); FOLLING DISEASE; OLIGOPHRENIA PHENYLPYRUVICA; Phenylketonurias. Identifiers: Orphanet 716, MedGen C0031485, MONDO:0009861, OMIM 261600. Disease mechanism: loss of function.

Submissions (2):

ClinGen PAH Variant Curation Expert Panel
Classification: Pathogenic for Phenylketonuria. Last evaluated: 2020-07-24. Review status: reviewed by expert panel. Criteria: ClinGen PAH ACMG Specifications v1. Collection method: curation. Allele origin: germline. Inheritance: Autosomal recessive inheritance.
Comment: The c.593_614del (p.Tyr198fs) frameshift variant in PAH is predicted to undergo nonsense mediated-decay. This variant was reported in 9 patients with PAH deficiency (PMID 27121329, 26210745, 21871829, 26666653). A defect in the synthesis or regeneration in the pathways of 6R-BH4 was ruled out by analyzing urinary pterin levels and by measuring the dihydropteridine reductase activity (PMID 27121329, 21871829). This variant was detected in trans with 3 pathogenic/LP variants (PMID 27121329) and in 6 patients with pathogenic/LP variants with unknown phasing (PMID 26210745, 21871829, 26666653). This variant is absent in gnomAD. In summary, this variant meets criteria to be classified as pathogenic for PAH. PAH-specific ACMG/AMP criteria applied: PVS1, PM3 very strong, PM2, and PP4 moderate.

DeBelle Laboratory for Biochemical Genetics, MUHC/MCH RESEARCH INSTITUTE
No classification provided. Review status: no classification provided. Collection method: not provided. Allele origin: not provided. Not counted in ClinVar's aggregate classification.

Literature cited by the submitters: PubMed 27121329 (cited by ClinGen PAH Variant Curation Expert Panel).